The following is an entry in ClinVar:

ClinVar aggregate classification (germline): Conflicting classifications of pathogenicity. Review status: criteria provided, conflicting classifications (1 of 4 stars). 2 submissions from 2 submitters: Uncertain significance (1); Likely benign (1). Last evaluated 2025-09-08.

Conditions:
Hereditary sensory and autonomic neuropathy type 7. Also called: Neuropathy, hereditary sensory and autonomic, type VII; HSAN VII. Identifiers: Orphanet 391397, MedGen C3809882, MONDO:0014244, OMIM 615548.
Familial episodic pain syndrome with predominantly lower limb involvement. Also called: Episodic pain syndrome, familial, 3. Identifiers: Orphanet 391384, Orphanet 391392, MedGen C3809899, MONDO:0014247, OMIM 615552.
Inborn genetic diseases. Identifiers: MedGen C0950123, MeSH D030342.

Allele frequency attached by ClinVar (database versions not stated): gnomAD 0.00014; ESP Exome Variant Server 0.00023; TOPMed 0.00024.
gnomAD v4.1: 71 of 1,613,822 alleles (0.0044%); highest among the groups gnomAD compares: African/African-American, 0.04%; no homozygotes.

Submissions (2):

Labcorp Genetics (formerly Invitae), Labcorp
Classification: Uncertain significance for Familial episodic pain syndrome with predominantly lower limb involvement; Hereditary sensory and autonomic neuropathy type 7. Last evaluated: 2025-09-08. Review status: criteria provided, single submitter. Criteria: Invitae Variant Classification Sherloc (09022015). Collection method: clinical testing. Allele origin: germline.
Comment: This sequence change replaces arginine, which is basic and polar, with glutamine, which is neutral and polar, at codon 500 of the SCN11A protein (p.Arg500Gln). This variant is present in population databases (rs373827019, gnomAD 0.03%). This variant has not been reported in the literature in individuals affected with SCN11A-related conditions. ClinVar contains an entry for this variant (Variation ID: 474688). An algorithm developed to predict the effect of missense changes on protein structure and function (PolyPhen-2) suggests that this variant is likely to be tolerated. In summary, the available evidence is currently insufficient to determine the role of this variant in disease. Therefore, it has been classified as a Variant of Uncertain Significance.

Ambry Genetics
Classification: Likely benign for Inborn genetic diseases. Last evaluated: 2024-06-07. Review status: criteria provided, single submitter. Criteria: Ambry Variant Classification Scheme 2023. Collection method: clinical testing. Allele origin: germline.

NM_001349253.2(SCN11A):c.1499G>A (p.Arg500Gln)

Gene: SCN11A (sodium voltage-gated channel alpha subunit 11; minus strand). Cytogenetic location: 3p22.2.
Variant type: single nucleotide variant.
Coding change: c.1499G>A on transcript NM_001349253.2 (MANE Select); coding-DNA position 1499, G replaced by A.
Protein change: p.Arg500Gln; replaces arginine 500 with glutamine.
Molecular consequence: missense variant.
Genome position (GRCh38, 1-based): chr3:38,905,296, C>T on the plus strand (G>A on the coding strand, the complement: SCN11A is on the minus strand). VCF-style: chr3-38905296-C-T. GRCh37 (hg19) VCF-style: chr3-38946787-C-T.
Other names: c.1499G>A, p.Arg500Gln (NM_014139.3); short protein forms R500Q.
Identifiers: ClinVar variation 474688 (VCV000474688.9), dbSNP rs373827019, ClinGen allele CA2322280.